The following is an entry in ClinVar:

ClinVar aggregate classification (germline): Uncertain significance (1 of 4 stars; one submission).

Conditions:
Congenital myasthenic syndrome 9. Also called: Myasthenic syndrome, congenital, 9, associated with acetylcholine receptor deficiency. Identifiers: Orphanet 590, MedGen C4225368, MONDO:0014587, OMIM 616325.
Fetal akinesia deformation sequence 1 (FADS1). Also called: Fetal akinesia sequence; Pena-Shokeir syndrome type I. Identifiers: Orphanet 994, MedGen C1276035, MONDO:0100101, OMIM 208150, HP:0001989.

Submission:

Labcorp Genetics (formerly Invitae), Labcorp
Classification: Uncertain significance for Congenital myasthenic syndrome 9; Fetal akinesia deformation sequence 1. Last evaluated: 2022-04-07. Review status: criteria provided, single submitter. Criteria: Invitae Variant Classification Sherloc (09022015). Collection method: clinical testing. Allele origin: germline.
Comment: This sequence change replaces alanine, which is neutral and non-polar, with aspartic acid, which is acidic and polar, at codon 448 of the MUSK protein (p.Ala448Asp). This variant is not present in population databases (gnomAD no frequency). This variant has not been reported in the literature in individuals affected with MUSK-related conditions. Advanced modeling of protein sequence and biophysical properties (such as structural, functional, and spatial information, amino acid conservation, physicochemical variation, residue mobility, and thermodynamic stability) performed at Invitae indicates that this missense variant is not expected to disrupt MUSK protein function. In summary, the available evidence is currently insufficient to determine the role of this variant in disease. Therefore, it has been classified as a Variant of Uncertain Significance.

NM_005592.4(MUSK):c.1343C>A (p.Ala448Asp)

Gene: MUSK (muscle associated receptor tyrosine kinase; plus strand). Cytogenetic location: 9q31.3.
Variant type: single nucleotide variant.
Coding change: c.1343C>A on transcript NM_005592.4 (MANE Select); coding-DNA position 1343, C replaced by A.
Protein change: p.Ala448Asp; replaces alanine 448 with aspartic acid.
Molecular consequence: missense variant.
Genome position (GRCh38, 1-based): chr9:110,775,946, C>A. VCF-style: chr9-110775946-C-A. GRCh37 (hg19) VCF-style: chr9-113538226-C-A.
Other names: c.1109C>A, p.Ala370Asp (NM_001166280.2); c.1079C>A, p.Ala360Asp (NM_001166281.2); c.107C>A, p.Ala36Asp (NM_001369398.1); short protein forms A448D, A360D, A36D, A370D.
Identifiers: ClinVar variation 2091166 (VCV002091166.4), dbSNP rs2077664903, ClinGen allele CA374473376.